The following is an entry in ClinVar:

NM_018975.4(TERF2IP):c.667G>C (p.Gly223Arg)

Gene: TERF2IP (TERF2 interacting protein; plus strand). Cytogenetic location: 16q23.1.
Variant type: single nucleotide variant.
Coding change: c.667G>C on transcript NM_018975.4 (MANE Select); coding-DNA position 667, G replaced by C.
Protein change: p.Gly223Arg; replaces glycine 223 with arginine.
Molecular consequence: missense variant. On other transcripts: non-coding transcript variant (1).
Genome position (GRCh38, 1-based): chr16:75,648,549, G>C. VCF-style: chr16-75648549-G-C. GRCh37 (hg19) VCF-style: chr16-75682447-G-C.
Other names: short protein forms G223R.
Identifiers: ClinVar variation 1754849 (VCV001754849.3), dbSNP rs2082321231, ClinGen allele CA396818406.

ClinVar aggregate classification (germline): Uncertain significance (1 of 4 stars; one submission).

Allele frequency attached by ClinVar (database versions not stated): gnomAD exomes below 0.00001; TOPMed below 0.00001.

Submission:

Ambry Genetics
Classification: Uncertain significance. Last evaluated: 2024-09-30. Review status: criteria provided, single submitter. Criteria: Ambry Variant Classification Scheme 2023. Collection method: clinical testing. Allele origin: germline.
Comment: The p.G223R variant (also known as c.667G>C), located in coding exon 1 of the TERF2IP gene, results from a G to C substitution at nucleotide position 667. The glycine at codon 223 is replaced by arginine, an amino acid with dissimilar properties. This amino acid position is conserved. In addition, this alteration is predicted to be tolerated by in silico analysis. Since supporting evidence is limited at this time, the clinical significance of this alteration remains unclear.